The following is an entry in ClinVar:

NM_001161352.2(KCNMA1):c.1044C>A (p.Val348=)

Gene: KCNMA1 (potassium calcium-activated channel subfamily M alpha 1; minus strand). Cytogenetic location: 10q22.3.
Variant type: single nucleotide variant.
Coding change: c.1044C>A on transcript NM_001161352.2 (MANE Select); coding-DNA position 1044, C replaced by A.
Protein change: p.Val348=; no amino-acid change (valine 348 retained).
Molecular consequence: synonymous variant.
Genome position (GRCh38, 1-based): chr10:77,110,260, G>T on the plus strand (C>A on the coding strand, the complement: KCNMA1 is on the minus strand). VCF-style: chr10-77110260-G-T. GRCh37 (hg19) VCF-style: chr10-78870018-G-T.
Other names: c.1044C>A, p.Val348= (NM_001014797.3, NM_001161353.2, NM_001271519.2 and 8 more transcripts); c.882C>A, p.Val294= (NM_001271518.2); c.504C>A, p.Val168= (NM_001322838.2).
Identifiers: ClinVar variation 3385263 (VCV003385263.4).

ClinVar aggregate classification (germline): Conflicting classifications of pathogenicity. Review status: criteria provided, conflicting classifications (1 of 4 stars). 2 submissions from 2 submitters: Uncertain significance (1); Likely benign (1). Last evaluated 2026-03-17.

Conditions:
Generalized epilepsy-paroxysmal dyskinesia syndrome (PNKD3). Also called: Generalized epilepsy and paroxysmal dyskinesia; Paroxysmal nonkinesigenic dyskinesia, 3, with or without generalized epilepsy. Identifiers: Orphanet 79137, MedGen C5574945, MONDO:0012276, OMIM 609446.

gnomAD v4.1: 2 of 1,613,850 alleles (0.00012%); highest among the groups gnomAD compares: Admixed American, 0.0033%; no homozygotes.

Submissions (2):

Women's Health and Genetics/Laboratory Corporation of America, LabCorp
Classification: Uncertain significance. Last evaluated: 2026-03-17. Review status: criteria provided, single submitter. Criteria: LabCorp Variant Classification Summary - May 2015. Collection method: clinical testing. Allele origin: germline.
Comment: Variant summary: KCNMA1 c.1044C>A alters a conserved nucleotide resulting in a synonymous change. Several computational tools predict a significant impact on normal splicing: Three predict the variant creates a 5' donor site. However, these predictions have yet to be confirmed by functional studies. The variant allele was found at a frequency of 8e-06 in 251490 control chromosomes. The available data on variant occurrences in the general population are insufficient to allow any conclusion about variant significance. To our knowledge, no occurrence of c.1044C>A in individuals affected with KCNMA1-related conditions and no experimental evidence demonstrating its impact on protein function have been reported. ClinVar contains an entry for this variant (Variation ID: 3385263). Based on the evidence outlined above, the variant was classified as uncertain significance.

Labcorp Genetics (formerly Invitae), Labcorp
Classification: Likely benign for Generalized epilepsy-paroxysmal dyskinesia syndrome. Last evaluated: 2024-12-02. Review status: criteria provided, single submitter. Criteria: Invitae Variant Classification Sherloc (09022015). Collection method: clinical testing. Allele origin: germline.